The following is an entry in ClinVar:

NM_001733.7(C1R):c.530G>A (p.Arg177His)

Gene: C1R (complement C1r; minus strand). Cytogenetic location: 12p13.31.
Variant type: single nucleotide variant.
Coding change: c.530G>A on transcript NM_001733.7 (MANE Select); coding-DNA position 530, G replaced by A.
Protein change: p.Arg177His; replaces arginine 177 with histidine.
Molecular consequence: missense variant.
Genome position (GRCh38, 1-based): chr12:7,089,628, C>T on the plus strand (G>A on the coding strand, the complement: C1R is on the minus strand). VCF-style: chr12-7089628-C-T. GRCh37 (hg19) VCF-style: chr12-7242224-C-T.
Other names: c.572G>A, p.Arg191His (NM_001354346.2); short protein forms R177H, R191H.
Identifiers: ClinVar variation 3769288 (VCV003769288.3).
Genomic context (GRCh38, chr12:7,089,628, plus strand): 5'-CTACACCACTCTGGCTCACCCTGGCAGGAATGCCTGTCTTCCTGAAGCTCATAGCCTGGA[C>T]GGCAGGAACAGAAGTAGCCTCCAACGTAGTTGTGACACAGGTGCTGGCACTGGGGCTGGG-3'
Protein context (NP_001724.4, residues 167-187): NYVGGYFCSC[Arg177His]PGYELQEDRH

ClinVar aggregate classification (germline): Likely benign. Review status: criteria provided, multiple submitters, no conflicts (2 of 4 stars). 2 submissions from 2 submitters: Likely benign (2). Last evaluated 2025-01-03.

gnomAD v4.1: 127 of 780,778 alleles (0.016%); highest among the groups gnomAD compares: Non-Finnish European, 0.026%; no homozygotes.

Submissions (2):

Women's Health and Genetics/Laboratory Corporation of America, LabCorp
Classification: Likely benign. Last evaluated: 2025-01-03. Review status: criteria provided, single submitter. Criteria: LabCorp Variant Classification Summary - May 2015. Collection method: clinical testing. Allele origin: germline.
Comment: Variant summary: C1R c.530G>A (p.Arg177His) results in a non-conservative amino acid change located in the Calcium-binding EGF-like domain (IPR001881) of the encoded protein sequence. Four of five in-silico tools predict a benign effect of the variant on protein function. The variant allele was found at a frequency of 0.00013 in 248534 control chromosomes, predominantly at a frequency of 0.00021 within the Non-Finnish European subpopulation in the gnomAD database. The observed variant frequency within Non-Finnish European control individuals in the gnomAD database is approximately 210 fold of the estimated maximal expected allele frequency for a pathogenic variant in C1R causing Ehlers-Danlos syndrome, periodontal type 1 phenotype (1e-06). To our knowledge, no occurrence of c.530G>A in individuals affected with Ehlers-Danlos syndrome, periodontal type 1 and no experimental evidence demonstrating its impact on protein function have been reported. No submitters have cited clinical-significance assessments for this variant to ClinVar. Based on the evidence outlined above, the variant was classified as likely benign.

Blueprint Genetics
Classification: Likely benign. Last evaluated: 2024-11-26. Review status: criteria provided, single submitter. Criteria: ACMG Guidelines, 2015. Collection method: clinical testing. Allele origin: germline.